The following is an entry in ClinVar:

NM_000552.5(VWF):c.7205_7206del (p.Thr2402fs)

Gene: VWF (von Willebrand factor; minus strand). Cytogenetic location: 12p13.31.
Variant type: Microsatellite.
Coding change: c.7205_7206del on transcript NM_000552.5 (MANE Select); coding-DNA positions 7205 to 7206, 2 bases deleted (CA; older notation c.7205_7206delCA).
Protein change: p.Thr2402fs; shifts the reading frame from threonine 2402.
Molecular consequence: frameshift variant.
Genome position (GRCh38, 1-based): chr12:5,981,867-5,981,868, TG deleted on the plus strand (CA on the coding strand, the reverse complement: VWF is on the minus strand); deleting any 2 consecutive bases within chr12:5,981,867-5,981,870 gives the same sequence; the c. name uses the placement nearest the transcript's 3' end. VCF-style (leftmost placement, unchanged base first): chr12-5981866-CTG-C. GRCh37 (hg19) VCF-style: chr12-6091032-CTG-C.
Other names: short protein forms T2402fs.
Identifiers: ClinVar variation 3572182 (VCV003572182.2).
Genomic context (GRCh38, chr12:5,981,866, plus strand): 5'-TTGTGGTACAGCCACAGTCATTGGTGGCAGTTGAGGCCAAGTACCCAAGGGGACAGCTCA[CTG>C]TGGAGTTGACACAGTTGCAGGCACACTCATACTCATCACAGCACTGGGTCTTCCGAAGGG-3'

ClinVar aggregate classification (germline): Likely pathogenic (1 of 4 stars; one submission).

Submission:

Quest Diagnostics Nichols Institute San Juan Capistrano
Classification: Likely pathogenic. Last evaluated: 2024-12-06. Review status: criteria provided, single submitter. Criteria: Quest Diagnostics criteria. Collection method: clinical testing. Allele origin: unknown.
Comment: The VWF c.7205_7206del (p.Thr2402Serfs*15) variant alters the translational reading frame of the VWF mRNA and is predicted to cause the premature termination of VWF protein synthesis. This variant has not been reported in individuals with VWF-related conditions in the published literature. This variant has not been reported in large, multi-ethnic general populations (Genome Aggregation Database). Based on the available information, this variant is classified as likely pathogenic.